The following is an entry in ClinVar:

NC_012920.1(MT-TS2):m.12230A>G

Gene: MT-TS2 (mitochondrially encoded tRNA serine 2 (AGU/C); plus strand).
Variant type: single nucleotide variant.
Genome position: chrM-12230-A-G.
Identifiers: ClinVar variation 690164 (VCV000690164.1), dbSNP rs1603223625, ClinGen allele CA913169790.
Genomic context (GRCh38, chrMT:12,230, plus strand): 5'-GAATCTGACAACAGAGGCTTACGACCCCTTATTTACCGAGAAAGCTCACAAGAACTGCTA[A>G]CTCATGCCCCCATGTCTAACAACATGGCTTTCTCAACTTTTAAAGGATAACAGCTATCCA-3'

ClinVar aggregate classification (germline): Uncertain significance (1 of 4 stars; one submission).

Conditions:
MELAS syndrome (MELAS). Also called: Juvenile myopathy, encephalopathy, lactic acidosis, stroke. Identifiers: Orphanet 550, MedGen C0162671, MONDO:0010789, OMIM 540000.

Submission:

Wong Mito Lab, Molecular and Human Genetics, Baylor College of Medicine
Classification: Uncertain significance for MELAS syndrome. Last evaluated: 2019-07-12. Review status: criteria provided, single submitter. Criteria: Modified ACMG Guidelines (Unpublished). Collection method: clinical testing. Allele origin: germline.
Comment: The NC_012920.1:m.12230A>G variant in MT-TS2 gene is interpreted to be a Unknown Significance variant based on the modified ACMG guidelines (unpublished). This variant meets the following evidence codes reported in the guidelines: PP3, PP6, PP7

Literature cited by the submitters: PubMed 31965079.